The following is an entry in ClinVar:

ClinVar aggregate classification (germline): Uncertain significance. Review status: criteria provided, multiple submitters, no conflicts (2 of 4 stars). 3 submissions from 3 submitters: Uncertain significance (3). Last evaluated 2024-04-18.

Conditions:
RYR1-related disorder. Also called: RYR1-related disorders; RYR1-related condition. Identifiers: MedGen CN239331.
Congenital multicore myopathy with external ophthalmoplegia (CMYO1B). Also called: MULTIMINICORE DISEASE WITH EXTERNAL OPHTHALMOPLEGIA; Minicore myopathy with external ophthalmoplegia; Congenital myopathy 1B, autosomal recessive; Minicore myopathy; MULTICORE MYOPATHY. Identifiers: Orphanet 598, Orphanet 98905, MedGen C1850674, MONDO:0009712, OMIM 255320, HP:0003789.
Central core myopathy (CMYO1A). Also called: CONGENITAL MYOPATHY 1A, AUTOSOMAL DOMINANT, WITH SUSCEPTIBILITY TO MALIGNANT HYPERTHERMIA; Central core disease; Myopathy, central fibrillar. Identifiers: Orphanet 597, MedGen C5830701, MONDO:0007294, OMIM 117000.
Malignant hyperthermia, susceptibility to, 1 (MHS1). Also called: Anesthesia related hyperthermia; Malignant hyperpyrexia; Fulminating hyperpyrexia; Pharmacogenic myopathy; Malignant hyperthermia suceptibility 1; RYR1-Related Malignant Hyperthermia Susceptibility. Identifiers: Orphanet 423, MedGen C2930980, MONDO:0007783, OMIM 145600.
Congenital myopathy with fiber type disproportion. Also called: Congenital fiber-type disproportion myopathy; Congenital fiber-type disproportion. Identifiers: Orphanet 2020, MedGen C0546264, MONDO:0009711. Inheritance: all.
King Denborough syndrome (KDS). Identifiers: MedGen C1840365, MONDO:0020485, OMIM 619542.

Allele frequency attached by ClinVar (database versions not stated): gnomAD exomes below 0.00001; TOPMed 0.00002; gnomAD 0.00003.
gnomAD v4.1: 11 of 1,614,084 alleles (0.00068%); highest among the groups gnomAD compares: African/African-American, 0.0053%; no homozygotes.

Submissions (3):

Color Diagnostics, LLC DBA Color Health
Classification: Uncertain significance for Malignant hyperthermia, susceptibility to, 1. Last evaluated: 2024-04-18. Review status: criteria provided, single submitter. Criteria: ACMG Guidelines, 2015. Collection method: clinical testing. Allele origin: germline.
Comment: This missense variant replaces aspartic acid with asparagine at codon 4592 of the RYR1 protein. Computational prediction suggests that this variant may not impact protein structure and function. To our knowledge, functional studies have not been reported for this variant. This variant has not been reported in individuals affected with RYR1-related disorders in the literature. This variant has been identified in 3/282752 chromosomes in the general population by the Genome Aggregation Database (gnomAD). The available evidence is insufficient to determine the role of this variant in disease conclusively. Therefore, this variant is classified as a Variant of Uncertain Significance.

Labcorp Genetics (formerly Invitae), Labcorp
Classification: Uncertain significance for RYR1-related disorder. Last evaluated: 2022-08-10. Review status: criteria provided, single submitter. Criteria: Invitae Variant Classification Sherloc (09022015). Collection method: clinical testing. Allele origin: germline.
Comment: This sequence change replaces aspartic acid, which is acidic and polar, with asparagine, which is neutral and polar, at codon 4592 of the RYR1 protein (p.Asp4592Asn). This variant is present in population databases (rs572103362, gnomAD 0.004%). This variant has not been reported in the literature in individuals affected with RYR1-related conditions. ClinVar contains an entry for this variant (Variation ID: 1428315). Advanced modeling of protein sequence and biophysical properties (such as structural, functional, and spatial information, amino acid conservation, physicochemical variation, residue mobility, and thermodynamic stability) performed at Invitae indicates that this missense variant is not expected to disrupt RYR1 protein function. In summary, the available evidence is currently insufficient to determine the role of this variant in disease. Therefore, it has been classified as a Variant of Uncertain Significance.

Fulgent Genetics
Classification: Uncertain significance for Central core myopathy; Malignant hyperthermia, susceptibility to, 1; Congenital myopathy 4A, autosomal dominant; Congenital multicore myopathy with external ophthalmoplegia; King Denborough syndrome. Last evaluated: 2021-09-15. Review status: criteria provided, single submitter. Criteria: ACMG Guidelines, 2015. Collection method: clinical testing. Allele origin: unknown.

NM_000540.3(RYR1):c.13774G>A (p.Asp4592Asn)

Gene: RYR1 (ryanodine receptor 1; plus strand). Cytogenetic location: 19q13.2.
Variant type: single nucleotide variant.
Coding change: c.13774G>A on transcript NM_000540.3 (MANE Select); coding-DNA position 13774, G replaced by A.
Protein change: p.Asp4592Asn; replaces aspartic acid 4592 with asparagine.
Molecular consequence: missense variant.
Genome position (GRCh38, 1-based): chr19:38,572,046, G>A. VCF-style: chr19-38572046-G-A. GRCh37 (hg19) VCF-style: chr19-39062686-G-A.
Other names: c.13759G>A, p.Asp4587Asn (NM_001042723.2); short protein forms D4587N, D4592N.
Identifiers: ClinVar variation 1428315 (VCV001428315.7), dbSNP rs572103362, ClinGen allele CA308114034.